The following is an entry in ClinVar:

ClinVar aggregate classification (germline): Uncertain significance (1 of 4 stars; one submission).

gnomAD v4.1: 2 of 1,588,038 alleles (0.00013%); highest among the groups gnomAD compares: Non-Finnish European, 0.00017%; no homozygotes.

Submission:

Labcorp Genetics (formerly Invitae), Labcorp
Classification: Uncertain significance. Last evaluated: 2024-02-13. Review status: criteria provided, single submitter. Criteria: Invitae Variant Classification Sherloc (09022015). Collection method: clinical testing. Allele origin: germline.
Comment: This sequence change replaces leucine, which is neutral and non-polar, with phenylalanine, which is neutral and non-polar, at codon 716 of the ITPR1 protein (p.Leu716Phe). This variant is not present in population databases (gnomAD no frequency). This variant has not been reported in the literature in individuals affected with ITPR1-related conditions. Advanced modeling of protein sequence and biophysical properties (such as structural, functional, and spatial information, amino acid conservation, physicochemical variation, residue mobility, and thermodynamic stability) has been performed at Invitae for this missense variant, however the output from this modeling did not meet the statistical confidence thresholds required to predict the impact of this variant on ITPR1 protein function. In summary, the available evidence is currently insufficient to determine the role of this variant in disease. Therefore, it has been classified as a Variant of Uncertain Significance.

NM_001378452.1(ITPR1):c.2191C>T (p.Leu731Phe)

Gene: ITPR1 (inositol 1,4,5-trisphosphate receptor type 1; plus strand). Cytogenetic location: 3p26.1.
Variant type: single nucleotide variant.
Coding change: c.2191C>T on transcript NM_001378452.1 (MANE Select); coding-DNA position 2191, C replaced by T.
Protein change: p.Leu731Phe; replaces leucine 731 with phenylalanine.
Molecular consequence: missense variant.
Genome position (GRCh38, 1-based): chr3:4,670,913, C>T. VCF-style: chr3-4670913-C-T. GRCh37 (hg19) VCF-style: chr3-4712597-C-T.
Other names: c.2191C>T, p.Leu731Phe (NM_001099952.4); c.2146C>T, p.Leu716Phe (NM_001168272.2, NM_002222.7); short protein forms L716F, L731F.
Identifiers: ClinVar variation 3675718 (VCV003675718.2).